The following is an entry in ClinVar:

ClinVar aggregate classification (germline): Uncertain significance (1 of 4 stars; one submission).

Submission:

Ambry Genetics
Classification: Uncertain significance. Last evaluated: 2023-10-02. Review status: criteria provided, single submitter. Criteria: Ambry Variant Classification Scheme 2023. Collection method: clinical testing. Allele origin: germline.
Comment: The p.E28K variant (also known as c.82G>A), located in coding exon 1 of the RRAS gene, results from a G to A substitution at nucleotide position 82. The glutamic acid at codon 28 is replaced by lysine, an amino acid with similar properties. This amino acid position is conserved. In addition, the in silico prediction for this alteration is inconclusive. Since supporting evidence is limited at this time, the clinical significance of this alteration remains unclear.

NM_006270.5(RRAS):c.82G>A (p.Glu28Lys)

Gene: RRAS (RAS related; minus strand). Cytogenetic location: 19q13.33.
Variant type: single nucleotide variant.
Coding change: c.82G>A on transcript NM_006270.5 (MANE Select); coding-DNA position 82, G replaced by A.
Protein change: p.Glu28Lys; replaces glutamic acid 28 with lysine.
Molecular consequence: missense variant.
Genome position (GRCh38, 1-based): chr19:49,640,017, C>T on the plus strand (G>A on the coding strand, the complement: RRAS is on the minus strand). VCF-style: chr19-49640017-C-T. GRCh37 (hg19) VCF-style: chr19-50143274-C-T.
Other names: short protein forms E28K.
Identifiers: ClinVar variation 3225529 (VCV003225529.1), dbSNP rs2513709618, ClinGen allele CA406849786.